The following is an entry in ClinVar:

ClinVar aggregate classification (germline): Pathogenic (1 of 4 stars; one submission).

Conditions:
Primary ciliary dyskinesia 3. Identifiers: Orphanet 244, MedGen C1837618, MONDO:0012085, OMIM 608644.

Submission:

Myriad Genetics, Inc.
Classification: Pathogenic for Primary ciliary dyskinesia 3. Last evaluated: 2024-05-14. Review status: criteria provided, single submitter. Criteria: Myriad Autosomal Dominant, Autosomal Recessive and X-Linked Classification Criteria (2023). Collection method: clinical testing. Allele origin: unknown.
Comment: NM_001369.2(DNAH5):c.12350_12364del15ins2(I4117Kfs*10) is expected to be pathogenic in the context of primary ciliary dyskinesia, DNAH5-related. This variant is predicted to lead to an abnormal or absent protein product due to the creation of a premature termination codon in DNAH5, a gene where loss-of-function variants are known to be pathogenic. Please note: this variant was assessed in the context of healthy population screening.

NM_001369.3(DNAH5):c.12350_12364delinsAA (p.Ile4117fs)

Gene: DNAH5 (dynein axonemal heavy chain 5; minus strand). Cytogenetic location: 5p15.2.
Variant type: Indel.
Coding change: c.12350_12364delinsAA on transcript NM_001369.3 (MANE Select); coding-DNA positions 12350 to 12364, TAGAAACTGAGCTTG replaced by AA.
Protein change: p.Ile4117fs; shifts the reading frame from isoleucine 4117.
Molecular consequence: frameshift variant.
Genome position (GRCh38, 1-based): chr5:13,719,017-13,719,031, CAAGCTCAGTTTCTA replaced by TT on the plus strand (TAGAAACTGAGCTTG replaced by AA on the coding strand, the reverse complement: DNAH5 is on the minus strand). VCF-style: chr5-13719017-CAAGCTCAGTTTCTA-TT. GRCh37 (hg19) VCF-style: chr5-13719126-CAAGCTCAGTTTCTA-TT.
Other names: short protein forms I4117fs.
Identifiers: ClinVar variation 5010707 (VCV005010707.1).